The following is an entry in ClinVar:

NM_203447.4(DOCK8):c.5355+6C>T

Gene: DOCK8 (dedicator of cytokinesis 8; plus strand). Cytogenetic location: 9p24.3.
Variant type: single nucleotide variant.
Coding change: c.5355+6C>T on transcript NM_203447.4 (MANE Select); 6 bases into the intron after coding-DNA position 5355, C replaced by T.
Molecular consequence: intron variant.
Genome position (GRCh38, 1-based): chr9:441,423, C>T. VCF-style: chr9-441423-C-T. GRCh37 (hg19) VCF-style: chr9-441423-C-T.
Other names: c.5151+6C>T (NM_001193536.2); c.5055+6C>T (NM_001190458.2).
Identifiers: ClinVar variation 382796 (VCV000382796.17), dbSNP rs188141951, ClinGen allele CA4959398.

ClinVar aggregate classification (germline): Benign/Likely benign. Review status: criteria provided, multiple submitters, no conflicts (2 of 4 stars). 5 submissions from 5 submitters: Benign (1); Likely benign (4). Last evaluated 2026-02-01.

Conditions:
DOCK8-related disorder. Also called: DOCK8-related condition.
Combined immunodeficiency due to DOCK8 deficiency (HIES2). Also called: HIES autosomal recessive; Hyper-IgE recurrent infection syndrome, autosomal recessive; HYPER-IgE RECURRENT INFECTION SYNDROME 2, AUTOSOMAL RECESSIVE; HYPER-IgE SYNDROME 2, AUTOSOMAL RECESSIVE, WITH RECURRENT INFECTIONS; DOCK8 Deficiency. Identifiers: Orphanet 217390, MedGen C4722305, MONDO:0009478, OMIM 243700.

Allele frequency attached by ClinVar (database versions not stated): ESP Exome Variant Server 0.00015; gnomAD 0.00046; TOPMed 0.00047; 1000 Genomes Project 0.00060; 1000 Genomes Project 30x 0.00062; ExAC 0.00076; gnomAD exomes 0.00078.
gnomAD v4.1: 409 of 1,614,098 alleles (0.025%); highest among the groups gnomAD compares: East Asian, 0.66%; 4 homozygotes.

Submissions (5):

Labcorp Genetics (formerly Invitae), Labcorp
Classification: Benign for Combined immunodeficiency due to DOCK8 deficiency. Last evaluated: 2026-02-01. Review status: criteria provided, single submitter. Criteria: Invitae Variant Classification Sherloc (09022015). Collection method: clinical testing. Allele origin: germline.

Blueprint Genetics
Classification: Likely benign. Last evaluated: 2024-11-26. Review status: criteria provided, single submitter. Criteria: ACMG Guidelines, 2015. Collection method: clinical testing. Allele origin: germline.

PreventionGenetics, part of Exact Sciences
Classification: Likely benign for DOCK8-related condition. Last evaluated: 2024-10-29. Review status: criteria provided, single submitter. Criteria: ACMG Guidelines, 2015. Collection method: clinical testing. Allele origin: germline.
Comment: This variant is classified as likely benign based on ACMG/AMP sequence variant interpretation guidelines (Richards et al. 2015 PMID: 25741868, with internal and published modifications).

Illumina Laboratory Services, Illumina
Classification: Likely benign for Combined immunodeficiency due to DOCK8 deficiency. Last evaluated: 2018-01-12. Review status: criteria provided, single submitter. Criteria: ICSL Variant Classification Criteria 13 December 2019. Collection method: clinical testing. Allele origin: germline.
Comment: This variant was observed in the ICSL laboratory as part of a predisposition screen in an ostensibly healthy population. It had not been previously curated by ICSL or reported in the Human Gene Mutation Database (HGMD: prior to June 1st, 2018), and was therefore a candidate for classification through an automated scoring system. Utilizing variant allele frequency, disease prevalence and penetrance estimates, and inheritance mode, an automated score was calculated to assess if this variant is too frequent to cause the disease. Based on the score and internal cut-off values, a variant classified as likely benign is not then subjected to further curation. The score for this variant resulted in a classification of likely benign for this disease.

GeneDx
Classification: Likely benign. Last evaluated: 2017-06-19. Review status: criteria provided, single submitter. Criteria: GeneDx Variant Classification (06012015). Collection method: clinical testing. Allele origin: germline. Affected: yes.
Comment: This variant is considered likely benign or benign based on one or more of the following criteria: it is a conservative change, it occurs at a poorly conserved position in the protein, it is predicted to be benign by multiple in silico algorithms, and/or has population frequency not consistent with disease.